The following is an entry in ClinVar:

ClinVar aggregate classification (germline): Uncertain significance. Review status: criteria provided, multiple submitters, no conflicts (2 of 4 stars). 2 submissions from 2 submitters: Uncertain significance (2). Last evaluated 2025-06-16.

Conditions:
Hereditary cancer-predisposing syndrome. Also called: Hereditary neoplastic syndrome; Neoplastic Syndromes, Hereditary; Tumor predisposition; Hereditary Cancer Syndrome. Identifiers: Orphanet 140162, MedGen C0027672, MeSH D009386, MONDO:0015356.
Familial melanoma. Also called: Hereditary melanoma; Hereditary cutaneous melanoma. Identifiers: Orphanet 618, MedGen C1512419, MONDO:0018961.

Allele frequency attached by ClinVar (database versions not stated): gnomAD exomes below 0.00001.
gnomAD v4.1: 3 of 1,611,332 alleles (0.00019%); highest among the groups gnomAD compares: Non-Finnish European, 0.00025%; no homozygotes.

Submissions (2):

Labcorp Genetics (formerly Invitae), Labcorp
Classification: Uncertain significance for Familial melanoma. Last evaluated: 2025-06-16. Review status: criteria provided, single submitter. Criteria: Invitae Variant Classification Sherloc (09022015). Collection method: clinical testing. Allele origin: germline.
Comment: This sequence change falls in intron 2 of the CDKN2A (p16INK4a) gene. It does not directly change the encoded amino acid sequence of the CDKN2A (p16INK4a) protein. It affects a nucleotide within the consensus splice site. This variant is not present in population databases (gnomAD no frequency). This variant has not been reported in the literature in individuals affected with CDKN2A (p16INK4a)-related conditions. ClinVar contains an entry for this variant (Variation ID: 1741571). Variants that disrupt the consensus splice site are a relatively common cause of aberrant splicing (PMID: 17576681, 9536098). Algorithms developed to predict the effect of sequence changes on RNA splicing suggest that this variant may disrupt the consensus splice site. In summary, the available evidence is currently insufficient to determine the role of this variant in disease. Therefore, it has been classified as a Variant of Uncertain Significance.

Ambry Genetics
Classification: Uncertain significance for Hereditary cancer-predisposing syndrome. Last evaluated: 2020-10-08. Review status: criteria provided, single submitter. Criteria: Ambry Variant Classification Scheme 2023. Collection method: clinical testing. Allele origin: germline.
Comment: The c.457+5G>T intronic variant results from a G to T substitution 5 nucleotides after coding exon 2 in the CDKN2A gene. This nucleotide position is highly conserved in available vertebrate species. In silico splice site analysis predicts that this alteration will weaken the native splice donor site. Since supporting evidence is limited at this time, the clinical significance of this alteration remains unclear.

Literature cited by the submitters: PubMed 17576681 (cited by Labcorp Genetics (formerly Invitae), Labcorp); PubMed 9536098 (cited by Labcorp Genetics (formerly Invitae), Labcorp).

NM_000077.5(CDKN2A):c.457+5G>T

Gene: CDKN2A (cyclin dependent kinase inhibitor 2A; minus strand). Cytogenetic location: 9p21.3.
Variant type: single nucleotide variant.
Coding change: c.457+5G>T on transcript NM_000077.5 (MANE Select); 5 bases into the intron after coding-DNA position 457, G replaced by T.
Molecular consequence: intron variant.
Genome position (GRCh38, 1-based): chr9:21,970,897, C>A on the plus strand (G>T on the coding strand, the complement: CDKN2A is on the minus strand). VCF-style: chr9-21970897-C-A. GRCh37 (hg19) VCF-style: chr9-21970896-C-A.
Other names: c.304+5G>T (NM_001363763.2); c.*101+5G>T (NM_058195.4); c.457+5G>T (NM_001195132.2); c.*380+5G>T (NM_058197.5).
Identifiers: ClinVar variation 1741571 (VCV001741571.5), dbSNP rs866937105, ClinGen allele CA190729563.
Genomic context (GRCh38, chr9:21,970,897, plus strand): 5'-GGAAAATGAATGCTCTGAGCTTTGGAAGCTCTCAGGGTACAAATTCTCAGATCATCAGTC[C>A]TCACCTGAGGGACCTTCCGCGGCATCTATGCGGGCATGGTTACTGCCTCTGGTGCCCCCC-3'